The following is an entry in ClinVar:

NM_002769.5(PRSS1):c.476A>G (p.Gln159Arg)

Genes: PRSS1 (serine protease 1; plus strand), TRB (T cell receptor beta locus; plus strand). Cytogenetic location: 7q34.
Variant type: single nucleotide variant.
Coding change: c.476A>G on transcript NM_002769.5 (MANE Select); coding-DNA position 476, A replaced by G.
Protein change: p.Gln159Arg; replaces glutamine 159 with arginine.
Molecular consequence: missense variant. On other transcripts: non-coding transcript variant (5).
Genome position (GRCh38, 1-based): chr7:142,752,452, A>G. VCF-style: chr7-142752452-A-G. GRCh37 (hg19) VCF-style: chr7-142460303-A-G.
Other names: short protein forms Q159R.
Identifiers: ClinVar variation 1742942 (VCV001742942.7), dbSNP rs1798826332, ClinGen allele CA369609450.

ClinVar aggregate classification (germline): Uncertain significance. Review status: criteria provided, multiple submitters, no conflicts (2 of 4 stars). 2 submissions from 2 submitters: Uncertain significance (2). Last evaluated 2022-03-27.

Conditions:
Hereditary pancreatitis (PCTT). Also called: Hereditary chronic pancreatitis; PRSS1-Related Hereditary Pancreatitis. Identifiers: Orphanet 676, MedGen C0238339, MONDO:0008185, OMIM 167800.

Submissions (2):

Labcorp Genetics (formerly Invitae), Labcorp
Classification: Uncertain significance for Hereditary pancreatitis. Last evaluated: 2022-03-27. Review status: criteria provided, single submitter. Criteria: Invitae Variant Classification Sherloc (09022015). Collection method: clinical testing. Allele origin: germline.
Comment: In summary, the available evidence is currently insufficient to determine the role of this variant in disease. Therefore, it has been classified as a Variant of Uncertain Significance. Algorithms developed to predict the effect of missense changes on protein structure and function are either unavailable or do not agree on the potential impact of this missense change (SIFT: "Deleterious"; PolyPhen-2: "Benign"; Align-GVGD: "Class C0"). This variant has not been reported in the literature in individuals affected with PRSS1-related conditions. This variant is not present in population databases (gnomAD no frequency). This sequence change replaces glutamine, which is neutral and polar, with arginine, which is basic and polar, at codon 159 of the PRSS1 protein (p.Gln159Arg).

Ambry Genetics
Classification: Uncertain significance for Hereditary pancreatitis. Last evaluated: 2021-09-12. Review status: criteria provided, single submitter. Criteria: Ambry Variant Classification Scheme 2023. Collection method: clinical testing. Allele origin: germline.
Comment: The p.Q159R variant (also known as c.476A>G), located in coding exon 4 of the PRSS1 gene, results from an A to G substitution at nucleotide position 476. The glutamine at codon 159 is replaced by arginine, an amino acid with highly similar properties. This amino acid position is conserved. In addition, the in silico prediction for this alteration is inconclusive. Since supporting evidence is limited at this time, the clinical significance of this alteration remains unclear.